The following is an entry in ClinVar:

NM_001089.3(ABCA3):c.1042G>C (p.Ala348Pro)

Gene: ABCA3 (ATP binding cassette subfamily A member 3; minus strand). Cytogenetic location: 16p13.3.
Variant type: single nucleotide variant.
Coding change: c.1042G>C on transcript NM_001089.3 (MANE Select); coding-DNA position 1042, G replaced by C.
Protein change: p.Ala348Pro; replaces alanine 348 with proline.
Molecular consequence: missense variant.
Genome position (GRCh38, 1-based): chr16:2,317,352, C>G on the plus strand (G>C on the coding strand, the complement: ABCA3 is on the minus strand). VCF-style: chr16-2317352-C-G. GRCh37 (hg19) VCF-style: chr16-2367353-C-G.
Other names: short protein forms A348P.
Identifiers: ClinVar variation 4705063 (VCV004705063.1).
Genomic context (GRCh38, chr16:2,317,352, plus strand): 5'-AGAAGGTGCTGACCATGAAGCTGAAGGAGATGGTAGAGATGGCGAAGCACAGCAGGAAGG[C>G]GAGCACCAGGGAGGGGTCGCTGCGGGACAGCACGGCTACATTTGGCTTCACCTGCAGGGC-3'
Protein context (NP_001080.2, residues 338-358): LSRSDPSLVL[Ala348Pro]FLLCFAISTI

ClinVar aggregate classification (germline): Uncertain significance (1 of 4 stars; one submission).

gnomAD v4.1: 8 of 1,614,032 alleles (0.0005%); highest among the groups gnomAD compares: Non-Finnish European, 0.00034%; no homozygotes.

Submission:

Labcorp Genetics (formerly Invitae), Labcorp
Classification: Uncertain significance. Last evaluated: 2025-08-30. Review status: criteria provided, single submitter. Criteria: Invitae Variant Classification Sherloc (09022015). Collection method: clinical testing. Allele origin: germline.
Comment: This sequence change replaces alanine, which is neutral and non-polar, with proline, which is neutral and non-polar, at codon 348 of the ABCA3 protein (p.Ala348Pro). This variant is not present in population databases (gnomAD no frequency). This missense change has been observed in individual(s) with autosomal recessive childhood interstitial lung disease (chILD) (PMID: 36808083). In at least one individual the data is consistent with being in trans (on the opposite chromosome) from a pathogenic variant. Invitae Evidence Modeling of protein sequence and biophysical properties (such as structural, functional, and spatial information, amino acid conservation, physicochemical variation, residue mobility, and thermodynamic stability) indicates that this missense variant is not expected to disrupt ABCA3 protein function with a negative predictive value of 80%. In summary, the available evidence is currently insufficient to determine the role of this variant in disease. Therefore, it has been classified as a Variant of Uncertain Significance.

Literature cited by the submitters: PubMed 36808083.